The following is an entry in ClinVar:

NM_001286.5(CLCN6):c.1501C>A (p.Arg501Ser)

Gene: CLCN6 (chloride voltage-gated channel 6; plus strand). Cytogenetic location: 1p36.22.
Variant type: single nucleotide variant.
Coding change: c.1501C>A on transcript NM_001286.5 (MANE Select); coding-DNA position 1501, C replaced by A.
Protein change: p.Arg501Ser; replaces arginine 501 with serine.
Molecular consequence: missense variant. On other transcripts: non-coding transcript variant (1).
Genome position (GRCh38, 1-based): chr1:11,834,005, C>A. VCF-style: chr1-11834005-C-A. GRCh37 (hg19) VCF-style: chr1-11894062-C-A.
Other names: c.1435C>A, p.Arg479Ser (NM_001256959.2); short protein forms R501S, R479S.
Identifiers: ClinVar variation 1422417 (VCV001422417.7), dbSNP rs147341529, ClinGen allele CA596488.

ClinVar aggregate classification (germline): Uncertain significance (1 of 4 stars; one submission).

Allele frequency attached by ClinVar (database versions not stated): 1000 Genomes Project 30x 0.00016.
gnomAD v4.1: 21 of 1,614,072 alleles (0.0013%); highest among the groups gnomAD compares: South Asian, 0.023%; 1 homozygote.

Submission:

Labcorp Genetics (formerly Invitae), Labcorp
Classification: Uncertain significance. Last evaluated: 2023-03-24. Review status: criteria provided, single submitter. Criteria: Invitae Variant Classification Sherloc (09022015). Collection method: clinical testing. Allele origin: germline.
Comment: In summary, the available evidence is currently insufficient to determine the role of this variant in disease. Therefore, it has been classified as a Variant of Uncertain Significance. An algorithm developed to predict the effect of missense changes on protein structure and function (PolyPhen-2) suggests that this variant is likely to be disruptive. ClinVar contains an entry for this variant (Variation ID: 1422417). This variant has not been reported in the literature in individuals affected with CLCN6-related conditions. This variant is present in population databases (rs147341529, gnomAD 0.02%). This sequence change replaces arginine, which is basic and polar, with serine, which is neutral and polar, at codon 501 of the CLCN6 protein (p.Arg501Ser).